The following is an entry in ClinVar:

NM_001111.5(ADAR):c.1875A>C (p.Lys625Asn)

Gene: ADAR (adenosine deaminase RNA specific; minus strand). Cytogenetic location: 1q21.3.
Variant type: single nucleotide variant.
Coding change: c.1875A>C on transcript NM_001111.5 (MANE Select); coding-DNA position 1875, A replaced by C.
Protein change: p.Lys625Asn; replaces lysine 625 with asparagine.
Molecular consequence: missense variant.
Genome position (GRCh38, 1-based): chr1:154,597,887, T>G on the plus strand (A>C on the coding strand, the complement: ADAR is on the minus strand). VCF-style: chr1-154597887-T-G. GRCh37 (hg19) VCF-style: chr1-154570363-T-G.
Other names: c.990A>C, p.Lys330Asn (NM_001025107.3, NM_001193495.2, NM_001365046.1 and 3 more transcripts); c.1902A>C, p.Lys634Asn (NM_001365045.1); c.1875A>C, p.Lys625Asn (NM_015840.4, NM_015841.4); short protein forms K634N, K330N, K625N.
Identifiers: ClinVar variation 4782883 (VCV004782883.1).

ClinVar aggregate classification (germline): Uncertain significance (1 of 4 stars; one submission).

Conditions:
Aicardi-Goutieres syndrome 6 (AGS6). Identifiers: Orphanet 51, MedGen C3539013, MONDO:0014007, OMIM 615010.
Symmetrical dyschromatosis of extremities (DSH). Also called: Dyschromatosis symmetrica hereditaria; DYSCHROMATOSIS SYMMETRICA HEREDITARIA 1; RETICULATE ACROPIGMENTATION OF DOHI; SYMMETRIC DYSCHROMATOSIS OF THE EXTREMITIES. Identifiers: Orphanet 41, MedGen C0406775, MONDO:0007483, OMIM 127400.

Submission:

Labcorp Genetics (formerly Invitae), Labcorp
Classification: Uncertain significance for Aicardi-Goutieres syndrome 6; Symmetrical dyschromatosis of extremities. Last evaluated: 2025-10-07. Review status: criteria provided, single submitter. Criteria: Invitae Variant Classification Sherloc (09022015). Collection method: clinical testing. Allele origin: germline.
Comment: This sequence change replaces lysine, which is basic and polar, with asparagine, which is neutral and polar, at codon 625 of the ADAR protein (p.Lys625Asn). This variant is not present in population databases (gnomAD no frequency). This variant has not been reported in the literature in individuals affected with ADAR-related conditions. Invitae Evidence Modeling of protein sequence and biophysical properties (such as structural, functional, and spatial information, amino acid conservation, physicochemical variation, residue mobility, and thermodynamic stability) indicates that this missense variant is not expected to disrupt ADAR protein function with a negative predictive value of 80%. In summary, the available evidence is currently insufficient to determine the role of this variant in disease. Therefore, it has been classified as a Variant of Uncertain Significance.